The following is an entry in ClinVar:

ClinVar aggregate classification (germline): Conflicting classifications of pathogenicity. Review status: criteria provided, conflicting classifications (1 of 4 stars). 6 submissions from 6 submitters: Uncertain significance (3); Likely benign (2). 1 of the submissions does not count toward it. Last evaluated 2025-12-18.

Conditions:
AGPAT2-related disorder. Also called: AGPAT2-related condition.
Monogenic diabetes. Identifiers: Orphanet 183625, MedGen C3888631, MONDO:0015967.
Congenital generalized lipodystrophy type 1 (CGL1). Also called: BRUNZELL SYNDROME, AGPAT2-RELATED; Berardinelli-Seip Congenital Lipodystrophy Type 1. Identifiers: Orphanet 528, Orphanet 696189, MedGen C1720862, MONDO:0012071, OMIM 608594.

Allele frequency attached by ClinVar (database versions not stated): gnomAD exomes 0.00018 and 0.00034; ExAC 0.00039; ESP Exome Variant Server 0.00131; gnomAD 0.00150 and 0.00155; TOPMed 0.00168; 1000 Genomes Project 0.00300; 1000 Genomes Project 30x 0.00344.
gnomAD v4.1: 497 of 1,613,152 alleles (0.031%); highest among the groups gnomAD compares: African/African-American, 0.61%; 1 homozygote.

Submissions (6):

Labcorp Genetics (formerly Invitae), Labcorp
Classification: Likely benign. Last evaluated: 2025-12-18. Review status: criteria provided, single submitter. Criteria: Invitae Variant Classification Sherloc (09022015). Collection method: clinical testing. Allele origin: germline.

Mayo Clinic Laboratories, Mayo Clinic
Classification: Uncertain significance. Last evaluated: 2025-09-27. Review status: criteria provided, single submitter. Criteria: ACMG Guidelines, 2015. Collection method: clinical testing. Allele origin: germline. Observed: 2 variant alleles.
Comment: BS1, PP3

Women's Health and Genetics/Laboratory Corporation of America, LabCorp
Classification: Likely benign. Last evaluated: 2025-03-03. Review status: criteria provided, single submitter. Criteria: LabCorp Variant Classification Summary - May 2015. Collection method: clinical testing. Allele origin: germline.
Comment: Variant summary: AGPAT2 c.359A>G (p.Lys120Arg) results in a conservative amino acid change in the encoded protein sequence. Three of five in-silico tools predict a damaging effect of the variant on protein function. The variant allele was found at a frequency of 0.00034 in 248480 control chromosomes, predominantly at a frequency of 0.0049 within the African or African-American subpopulation in the gnomAD database. The observed variant frequency within African or African-American control individuals in the gnomAD database is approximately 5.7 fold of the estimated maximal expected allele frequency for a pathogenic variant in AGPAT2 causing Congenital Generalized Lipodystrophy phenotype (0.00087). c.359A>G has been reported in the literature in an individual(s) affected with hypertriglyceridemia without strong evidence of causality (Mendes_2024). These report(s) do not provide unequivocal conclusions about association of the variant with Congenital Generalized Lipodystrophy. To our knowledge, no experimental evidence demonstrating an impact on protein function has been reported. The following publications have been ascertained in the context of this evaluation (PMID: 32041611, 38933898). ClinVar contains an entry for this variant (Variation ID: 393425). Based on the evidence outlined above, the variant was classified as likely benign.

New York Genome Center
Classification: Uncertain significance for Congenital generalized lipodystrophy type 1. Last evaluated: 2022-04-22. Review status: criteria provided, single submitter. Criteria: NYGC Assertion Criteria 2020. Collection method: clinical testing. Allele origin: germline. Observed: 2 heterozygotes. Clinical features observed: Hyperlipidemia (HP:0003077), Type 2 diabetes mellitus (HP:0005978).

Personalized Diabetes Medicine Program, University of Maryland School of Medicine
Classification: Uncertain significance for Monogenic diabetes. Last evaluated: 2016-02-19. Review status: criteria provided, single submitter. Criteria: ACMG Guidelines, 2015. Collection method: research. Allele origin: unknown. Observed: 1 variant allele, 1 heterozygote.
Comment: ACMG Criteria: PP3

PreventionGenetics, part of Exact Sciences
Classification: Likely benign for AGPAT2-related condition. Last evaluated: 2023-04-17. Review status: no assertion criteria provided. Collection method: clinical testing. Allele origin: germline. Not counted in ClinVar's aggregate classification.
Comment: This variant is classified as likely benign based on ACMG/AMP sequence variant interpretation guidelines (Richards et al. 2015 PMID: 25741868, with internal and published modifications).

Literature cited by the submitters: PubMed 32041611 (cited by Mayo Clinic Laboratories, Mayo Clinic and Women's Health and Genetics/Laboratory Corporation of America, LabCorp); PubMed 38933898 (cited by Mayo Clinic Laboratories, Mayo Clinic and Women's Health and Genetics/Laboratory Corporation of America, LabCorp).

NM_006412.4(AGPAT2):c.359A>G (p.Lys120Arg)

Gene: AGPAT2 (1-acylglycerol-3-phosphate O-acyltransferase 2; minus strand). Cytogenetic location: 9q34.3.
Variant type: single nucleotide variant.
Coding change: c.359A>G on transcript NM_006412.4 (MANE Select); coding-DNA position 359, A replaced by G.
Protein change: p.Lys120Arg; replaces lysine 120 with arginine.
Molecular consequence: missense variant.
Genome position (GRCh38, 1-based): chr9:136,677,094, T>C on the plus strand (A>G on the coding strand, the complement: AGPAT2 is on the minus strand). VCF-style: chr9-136677094-T-C. GRCh37 (hg19) VCF-style: chr9-139571546-T-C.
Other names: p.Lys120Arg; c.359A>G (NM_006412.3); c.359A>G, p.Lys120Arg (NM_001012727.2); short protein forms K120R.
Identifiers: ClinVar variation 393425 (VCV000393425.12), dbSNP rs114782902, ClinGen allele CA5343037.